The following is an entry in ClinVar:

NM_001267550.2(TTN):c.107317A>T (p.Thr35773Ser)

Genes: TTN-AS1 (TTN antisense RNA 1; plus strand), TTN (titin; minus strand). Cytogenetic location: 2q31.2.
Variant type: single nucleotide variant.
Coding change: c.107317A>T on transcript NM_001267550.2 (MANE Select); coding-DNA position 107317, A replaced by T.
Protein change: p.Thr35773Ser; replaces threonine 35773 with serine.
Molecular consequence: missense variant.
Genome position (GRCh38, 1-based): chr2:178,528,334, T>A on the plus strand (A>T on the coding strand, the complement: TTN is on the minus strand). VCF-style: chr2-178528334-T-A. GRCh37 (hg19) VCF-style: chr2-179393061-T-A.
Other names: c.102394A>T, p.Thr34132Ser (NM_001256850.1); c.80122A>T, p.Thr26708Ser (NM_003319.4); c.99613A>T, p.Thr33205Ser (NM_133378.4); c.80497A>T, p.Thr26833Ser (NM_133432.3); c.80698A>T, p.Thr26900Ser (NM_133437.4); short protein forms T26708S, T26833S, T26900S, T33205S, T34132S, T35773S.
Identifiers: ClinVar variation 4890801 (VCV004890801.1).

ClinVar aggregate classification (germline): Uncertain significance (1 of 4 stars; one submission).

Conditions:
Dilated cardiomyopathy 1G (CMD1G). Identifiers: Orphanet 154, MedGen C1858763, MONDO:0011400, OMIM 604145.

Submission:

Helix
Classification: Uncertain significance for Dilated cardiomyopathy 1G. Last evaluated: 2025-09-30. Review status: criteria provided, single submitter. Criteria: ACMG Guidelines, 2015. Collection method: clinical testing. Allele origin: germline. Inheritance: Autosomal dominant inheritance.
Comment: This variant (NM_001267550.2:c.107317A>T p.Thr35773Ser) results in the substitution of threonine with serine at codon 35773 in the TTN protein. It is a rare variant that is absent from the large gnomAD population database (v4.1). To our knowledge, this variant has not been reported in individuals with TTN-related conditions in the published literature. In silico prediction from REVEL (PMID: 27666373) is indeterminate. This variant is located in the M-band of TTN (PMID: 25589632). M-band variants may be associated with neuromuscular disorders, but a definitive association with cardiomyopathy has not been demonstrated (PMID: 12145747, 20301498, 23975875, 27854229). In conclusion, since the available evidence is limited, the clinical significance of this variant is unclear at this time. Therefore, it is classified as a Variant of Uncertain Significance.